The following is an entry in ClinVar:

NM_024422.6(DSC2):c.1786G>A (p.Ala596Thr)

Gene: DSC2 (desmocollin 2; minus strand). Cytogenetic location: 18q12.1.
Variant type: single nucleotide variant.
Coding change: c.1786G>A on transcript NM_024422.6 (MANE Select); coding-DNA position 1786, G replaced by A.
Protein change: p.Ala596Thr; replaces alanine 596 with threonine.
Molecular consequence: missense variant.
Genome position (GRCh38, 1-based): chr18:31,074,785, C>T on the plus strand (G>A on the coding strand, the complement: DSC2 is on the minus strand). VCF-style: chr18-31074785-C-T. GRCh37 (hg19) VCF-style: chr18-28654751-C-T.
Other names: c.1786G>A, p.Ala596Thr (NM_004949.5); short protein forms A596T.
Identifiers: ClinVar variation 919159 (VCV000919159.5), dbSNP rs1438904893, ClinGen allele CA402114019.
Genomic context (GRCh38, chr18:31,074,785, plus strand): 5'-TAGAACTCTCCAGACTAAAGTCAAAGGGTGGGCCATGGATAGGCTCATCAGGATCAACCG[C>T]AACAATCTCCGCAGATGACATGGTGGGTTTGCAGATGATCACTGTCTTTTTAGGTATGAA-3'
Protein context (NP_077740.1, residues 586-606): KPTMSSAEIV[Ala596Thr]VDPDEPIHGP

ClinVar aggregate classification (germline): Uncertain significance. Review status: criteria provided, multiple submitters, no conflicts (2 of 4 stars). 2 submissions from 2 submitters: Uncertain significance (2). Last evaluated 2024-03-07.

Conditions:
Familial isolated arrhythmogenic right ventricular dysplasia. Identifiers: Orphanet 217656, MedGen C4274968, MONDO:0016342.
Cardiomyopathy (CMYO). Also called: Cardiomyopathies. Identifiers: Orphanet 167848, MedGen C0878544, MONDO:0004994, HP:0001638. Inheritance: Various modes of inheritance.

Allele frequency attached by ClinVar (database versions not stated): gnomAD exomes below 0.00001.
gnomAD v4.1: 1 of 1,614,008 alleles (0.000062%); highest among the groups gnomAD compares: Non-Finnish European, 0.000085%; no homozygotes.

Submissions (2):

Color Diagnostics, LLC DBA Color Health
Classification: Uncertain significance for Cardiomyopathy. Last evaluated: 2024-03-07. Review status: criteria provided, single submitter. Criteria: ACMG Guidelines, 2015. Collection method: clinical testing. Allele origin: germline.
Comment: This missense variant replaces alanine with threonine at codon 596 of the DSC2 protein. Computational prediction suggests that this variant may not impact protein structure and function (internally defined REVEL score threshold <= 0.5, PMID: 27666373). To our knowledge, functional studies have not been reported for this variant. This variant has not been reported in individuals affected with cardiovascular disorders in the literature. This variant has not been identified in the general population by the Genome Aggregation Database (gnomAD). The available evidence is insufficient to determine the role of this variant in disease conclusively. Therefore, this variant is classified as a Variant of Uncertain Significance.

All of Us Research Program, National Institutes of Health
Classification: Uncertain significance for Familial isolated arrhythmogenic right ventricular dysplasia. Last evaluated: 2023-08-25. Review status: criteria provided, single submitter. Criteria: ACMG Guidelines, 2015. Collection method: clinical testing. Allele origin: germline. Inheritance: Autosomal dominant inheritance. Observed: 1 variant allele, 1 heterozygote.
Comment: This missense variant replaces alanine with threonine at codon 596 of the DSC2 protein. Computational prediction suggests that this variant may not impact protein structure and function (internally defined REVEL score threshold <= 0.5, PMID: 27666373). To our knowledge, functional studies have not been reported for this variant. This variant has not been reported in individuals affected with cardiovascular disorders in the literature. This variant has not been identified in the general population by the Genome Aggregation Database (gnomAD). The available evidence is insufficient to determine the role of this variant in disease conclusively. Therefore, this variant is classified as a Variant of Uncertain Significance.

This study involves interpretation of variants in research participants for the purpose of population health screening. Participant phenotype was not available at the time of variant classification. Additional details can be found in publication PMID: 35346344, PMCID: PMC8962531